The following is an entry in ClinVar:

ClinVar aggregate classification (germline): Uncertain significance (1 of 4 stars; one submission).

Conditions:
Pontocerebellar hypoplasia type 3 (PCH3). Also called: PCH WITH OPTIC ATROPHY; CEREBELLAR ATROPHY WITH PROGRESSIVE MICROCEPHALY. Identifiers: Orphanet 97249, MedGen C1842687, MONDO:0011948, OMIM 608027.

Submission:

Juno Genomics, Hangzhou Juno Genomics, Inc
Classification: Uncertain significance for Pontocerebellar hypoplasia type 3. Review status: criteria provided, single submitter. Criteria: ACMG Guidelines, 2015. Collection method: clinical testing. Allele origin: germline.
Comment: Absent from controls (or at extremely low frequency if recessive) in Genome Aggregation Database.;Protein length changes due to in-frame deletions/insertions in a non-repeat region or stop-loss variants.

NM_033026.6(PCLO):c.14893_14898del (p.Ser4965_Thr4966del)

Genes: PCLO (piccolo presynaptic cytomatrix protein; minus strand), LOC126860089 (MED14-independent group 3 enhancer GRCh37_chr7:82434470-82435669; plus strand). Cytogenetic location: 7q21.11.
Variant type: Deletion.
Coding change: c.14893_14898del on transcript NM_033026.6 (MANE Select); coding-DNA positions 14893 to 14898, 6 bases deleted (AGCACT; older notation c.14893_14898delAGCACT).
Protein change: p.Ser4965_Thr4966del.
Molecular consequence: inframe deletion.
Genome position (GRCh38, 1-based): chr7:82,805,723-82,805,728, AGTGCT deleted on the plus strand (AGCACT on the coding strand, the reverse complement: PCLO is on the minus strand). VCF-style (leftmost placement, unchanged base first): chr7-82805722-CAGTGCT-C. GRCh37 (hg19) VCF-style: chr7-82435038-CAGTGCT-C.
Identifiers: ClinVar variation 5018910 (VCV005018910.2).
Genomic context (GRCh38, chr7:82,805,722, plus strand): 5'-GTAGTAACAAAAAGAGACCCACTTACATCCTCGGAATAGGAAATAGATTAGTCTCCCCTG[CAGTGCT>C]GCTGCTTCCTTCACTGTCCACGCTATACCCACTGCCAAAGCTGCTGCCCGAGGAGCCGGT-3'